The following is an entry in ClinVar:

ClinVar aggregate classification (germline): Uncertain significance. Review status: criteria provided, multiple submitters, no conflicts (2 of 4 stars). 2 submissions from 2 submitters: Uncertain significance (2). Last evaluated 2026-08-24.

Conditions:
Cardiovascular phenotype. Identifiers: MedGen CN230736.
Long QT syndrome (LQTS). Identifiers: MedGen C0023976, MeSH D008133, MONDO:0002442. Disease mechanism: loss of function. Inheritance: Various modes of inheritance.

Allele frequency attached by ClinVar (database versions not stated): gnomAD exomes 0.00002 and 0.00001; ExAC 0.00001.
gnomAD v4.1: 33 of 1,614,146 alleles (0.002%); highest among the groups gnomAD compares: Non-Finnish European, 0.0028%; no homozygotes.

Submissions (2):

Ambry Genetics
Classification: Uncertain significance for Cardiovascular phenotype. Last evaluated: 2026-08-24. Review status: criteria provided, single submitter. Criteria: Ambry Variant Classification Scheme 2023. Collection method: clinical testing. Allele origin: germline.
Comment: The p.H3835P variant (also known as c.11504A>C), located in coding exon 43 of the ANK2 gene, results from an A to C substitution at nucleotide position 11504. The histidine at codon 3835 is replaced by proline, an amino acid with similar properties. This amino acid position is conserved. In addition, this alteration is predicted to be tolerated by in silico analysis. Based on the available evidence, the clinical significance of this variant remains unclear.

Labcorp Genetics (formerly Invitae), Labcorp
Classification: Uncertain significance for Long QT syndrome. Last evaluated: 2024-07-09. Review status: criteria provided, single submitter. Criteria: Invitae Variant Classification Sherloc (09022015). Collection method: clinical testing. Allele origin: germline.
Comment: This sequence change replaces histidine, which is basic and polar, with proline, which is neutral and non-polar, at codon 3835 of the ANK2 protein (p.His3835Pro). This variant is present in population databases (rs762934492, gnomAD 0.002%). This variant has not been reported in the literature in individuals affected with ANK2-related conditions. ClinVar contains an entry for this variant (Variation ID: 837101). Advanced modeling of protein sequence and biophysical properties (such as structural, functional, and spatial information, amino acid conservation, physicochemical variation, residue mobility, and thermodynamic stability) performed at Invitae indicates that this missense variant is not expected to disrupt ANK2 protein function with a negative predictive value of 80%. In summary, the available evidence is currently insufficient to determine the role of this variant in disease. Therefore, it has been classified as a Variant of Uncertain Significance.

NM_001148.6(ANK2):c.11504A>C (p.His3835Pro)

Gene: ANK2 (ankyrin 2; plus strand). Cytogenetic location: 4q26.
Variant type: single nucleotide variant.
Coding change: c.11504A>C on transcript NM_001148.6 (MANE Select); coding-DNA position 11504, A replaced by C.
Protein change: p.His3835Pro; replaces histidine 3835 with proline.
Molecular consequence: missense variant.
Genome position (GRCh38, 1-based): chr4:113,369,699, A>C. VCF-style: chr4-113369699-A-C. GRCh37 (hg19) VCF-style: chr4-114290855-A-C.
Other names: c.5222A>C, p.His1741Pro (NM_001127493.3); c.5261A>C, p.His1754Pro (NM_001354225.2); c.5150A>C, p.His1717Pro (NM_001354228.2, NM_001354258.2); c.5228A>C, p.His1743Pro (NM_001354230.2); c.5291A>C, p.His1764Pro (NM_001354231.2, NM_001354242.2); c.5285A>C, p.His1762Pro (NM_001354232.2); c.5246A>C, p.His1749Pro (NM_001354235.2, NM_001354246.2, NM_001354265.2); c.5147A>C, p.His1716Pro (NM_001354236.2); and 35 more; short protein forms H1650P, H1655P, H1663P, H1703P, H1707P, H1716P, H1717P, H1729P.
Identifiers: ClinVar variation 837101 (VCV000837101.7), dbSNP rs762934492, ClinGen allele CA3052297.